The following is an entry in ClinVar:

ClinVar aggregate classification (germline): Uncertain significance (1 of 4 stars; one submission).

Conditions:
Brachyolmia-amelogenesis imperfecta syndrome. Also called: PLATYSPONDYLY WITH AMELOGENESIS IMPERFECTA; Tooth agenesis, selective, 6; Dental anomalies and short stature. Identifiers: Orphanet 2899, MedGen C1832594, MONDO:0011018, OMIM 601216. Disease mechanism: loss of function.

Submission:

Labcorp Genetics (formerly Invitae), Labcorp
Classification: Uncertain significance for Brachyolmia-amelogenesis imperfecta syndrome. Last evaluated: 2025-04-27. Review status: criteria provided, single submitter. Criteria: Invitae Variant Classification Sherloc (09022015). Collection method: clinical testing. Allele origin: germline.
Comment: This sequence change replaces isoleucine, which is neutral and non-polar, with methionine, which is neutral and non-polar, at codon 567 of the LTBP3 protein (p.Ile567Met). This variant is not present in population databases (gnomAD no frequency). This variant has not been reported in the literature in individuals affected with LTBP3-related conditions. An algorithm developed to predict the effect of missense changes on protein structure and function (PolyPhen-2) suggests that this variant is likely to be tolerated. In summary, the available evidence is currently insufficient to determine the role of this variant in disease. Therefore, it has been classified as a Variant of Uncertain Significance.

NM_001130144.3(LTBP3):c.1701C>G (p.Ile567Met)

Gene: LTBP3 (latent transforming growth factor beta binding protein 3; minus strand). Cytogenetic location: 11q13.1.
Variant type: single nucleotide variant.
Coding change: c.1701C>G on transcript NM_001130144.3 (MANE Select); coding-DNA position 1701, C replaced by G.
Protein change: p.Ile567Met; replaces isoleucine 567 with methionine.
Molecular consequence: missense variant.
Genome position (GRCh38, 1-based): chr11:65,551,145, G>C on the plus strand (C>G on the coding strand, the complement: LTBP3 is on the minus strand). VCF-style: chr11-65551145-G-C. GRCh37 (hg19) VCF-style: chr11-65318616-G-C.
Other names: c.1350C>G, p.Ile450Met (NM_001164266.1); c.1701C>G, p.Ile567Met (NM_021070.4); short protein forms I450M, I567M.
Identifiers: ClinVar variation 4742973 (VCV004742973.1).